The following is an entry in ClinVar:

ClinVar aggregate classification (germline): Pathogenic. Review status: criteria provided, multiple submitters, no conflicts (2 of 4 stars). 10 submissions from 10 submitters: Pathogenic (9). 1 of the submissions does not count toward it. Last evaluated 2025-12-29.

Conditions:
ACADM-related disorder. Also called: ACADM-related condition.
Medium-chain acyl-coenzyme A dehydrogenase deficiency (ACADMD). Also called: MCAD Deficiency; MCADH DEFICIENCY; MCADD; Medium chain acyl-CoA dehydrogenase deficiency; ACADM DEFICIENCY; CARNITINE DEFICIENCY SECONDARY TO MEDIUM-CHAIN ACYL-CoA DEHYDROGENASE DEFICIENCY. Identifiers: Orphanet 42, MedGen C0220710, MONDO:0008721, OMIM 201450.

Allele frequency attached by ClinVar (database versions not stated): gnomAD exomes 0.00002 and 0.00003; ExAC 0.00001; TOPMed 0.00002.
gnomAD v4.1: 32 of 1,613,806 alleles (0.002%); highest among the groups gnomAD compares: East Asian, 0.011%; no homozygotes.

Submissions (10):

Labcorp Genetics (formerly Invitae), Labcorp
Classification: Pathogenic for Medium-chain acyl-coenzyme A dehydrogenase deficiency. Last evaluated: 2025-12-29. Review status: criteria provided, single submitter. Criteria: Invitae Variant Classification Sherloc (09022015). Collection method: clinical testing. Allele origin: germline.
Comment: This sequence change replaces arginine, which is basic and polar, with cysteine, which is neutral and slightly polar, at codon 53 of the ACADM protein (p.Arg53Cys). This variant is present in population databases (rs398123072, gnomAD 0.02%). This missense change has been observed in individual(s) with MCAD deficiency (PMID: 8102510, 15832312, 16737882, 20434380, 22796001, 24623196). This variant is also known as R28C. ClinVar contains an entry for this variant (Variation ID: 92258). Invitae Evidence Modeling of protein sequence and biophysical properties (such as structural, functional, and spatial information, amino acid conservation, physicochemical variation, residue mobility, and thermodynamic stability) indicates that this missense variant is expected to disrupt ACADM protein function with a positive predictive value of 80%. Experimental studies have shown that this missense change affects ACADM function (PMID: 8102510, 26947917). For these reasons, this variant has been classified as Pathogenic.

Natera, Inc.
Classification: Pathogenic for Medium Chain Acyl-CoA Dehydrogenase Deficiency. Last evaluated: 2025-11-14. Review status: criteria provided, single submitter. Criteria: Natera Variant Classification Schema (03/2026). Collection method: clinical testing. Allele origin: germline.
Comment: The c.157C>T variant in ACADM is a missense variant predicted to cause substitution of arginine to cysteine at amino acid 53. This variant is rare in the general population with a frequency below the threshold expected for the associated phenotype(s). This variant has been observed in one or more individuals affected with the associated recessive disease, as either homozygous or compound heterozygous with a second variant (PMID: 16737882, 8102510). Given the available evidence, this variant is classified as Pathogenic.

PreventionGenetics, part of Exact Sciences
Classification: Pathogenic for ACADM-related condition. Last evaluated: 2025-01-16. Review status: criteria provided, single submitter. Criteria: ACMG Guidelines, 2015. Collection method: clinical testing. Allele origin: germline.
Comment: The ACADM c.157C>T variant is predicted to result in the amino acid substitution p.Arg53Cys. This variant has been documented to be causative for medium chain acyl-CoA dehydrogenase (MCAD) deficiency (see examples: Tanaka et al. 1992. PubMed ID: 1363805;  reported as p.Arg28Cys, Andresen et al. 1993. PubMed ID: 8102510; Derks et al. 2014. PubMed ID: 24623196; Hara et al. 2015. PubMed ID: 26947917; Gong et al. 2021. PubMed ID: 33841490).  Functional studies suggest that this variant led to reduced enzyme activity (reported as p.Arg28Cys, Andresen et al. 1993. PubMed ID: 8102510).  This variant is reported in 0.016% of alleles in individuals of South Asian descent in gnomAD. This variant is interpreted as pathogenic.

Blueprint Genetics
Classification: Pathogenic for ACADM-related disorders. Last evaluated: 2024-09-09. Review status: criteria provided, single submitter. Criteria: ACMG Guidelines, 2015. Collection method: clinical testing. Allele origin: germline. Affected: yes. Observed: 5 variant alleles.

Baylor Genetics
Classification: Pathogenic for Medium-chain acyl-coenzyme A dehydrogenase deficiency. Last evaluated: 2024-03-25. Review status: criteria provided, single submitter. Criteria: ACMG Guidelines, 2015. Collection method: clinical testing. Allele origin: unknown.

Fulgent Genetics
Classification: Pathogenic for Medium-chain acyl-coenzyme A dehydrogenase deficiency. Last evaluated: 2018-10-31. Review status: criteria provided, single submitter. Criteria: ACMG Guidelines, 2015. Collection method: clinical testing. Allele origin: unknown.

GeneDx
Classification: Pathogenic. Last evaluated: 2016-08-15. Review status: criteria provided, single submitter. Criteria: GeneDx Variant Classification (06012015). Collection method: clinical testing. Allele origin: germline. Affected: yes.
Comment: The R53C pathogenic variant in the ACADM gene has been reported previously in association with medium-chain acyl-CoA dehydrogenase (MCAD) deficiency (Derks et al., 2014). Expression studies found that R53C is associated with significantly reduced MCAD enzyme activity in comparison to wild type (Andresen et al., 1993; Bross et al., 1995).

ARUP Laboratories, Molecular Genetics and Genomics, ARUP Laboratories
Classification: Pathogenic for Medium-chain acyl-coenzyme A dehydrogenase deficiency. Last evaluated: 2015-02-20. Review status: criteria provided, single submitter. Criteria: ACMG Guidelines, 2015. Collection method: clinical testing. Allele origin: germline. Inheritance: Autosomal recessive inheritance. Observed: 2 heterozygotes.

Eurofins Ntd Llc (ga)
Classification: Pathogenic. Last evaluated: 2012-11-16. Review status: criteria provided, single submitter. Criteria: EGL Classification Definitions. Collection method: clinical testing. Allele origin: germline. Observed: 2 variant alleles, 2 heterozygotes.

Counsyl
Classification: Likely pathogenic for Medium-chain acyl-coenzyme A dehydrogenase deficiency. Last evaluated: 2016-09-23. Review status: no assertion criteria provided. Collection method: clinical testing. Allele origin: unknown. Not counted in ClinVar's aggregate classification.

Literature cited by the submitters: PubMed 8102510 (cited by 3 submitters); PubMed 15832312 (cited by Labcorp Genetics (formerly Invitae), Labcorp and Counsyl); PubMed 16737882 (cited by Labcorp Genetics (formerly Invitae), Labcorp and Natera, Inc.); PubMed 20434380 (cited by Labcorp Genetics (formerly Invitae), Labcorp and Counsyl); PubMed 22796001 (cited by Labcorp Genetics (formerly Invitae), Labcorp); PubMed 24623196 (cited by Labcorp Genetics (formerly Invitae), Labcorp and Counsyl); PubMed 26947917 (cited by Labcorp Genetics (formerly Invitae), Labcorp and Counsyl); PubMed 8535441 (cited by Counsyl); PubMed 19649258 (cited by Counsyl); PubMed 7730333 (cited by Counsyl).

NM_000016.6(ACADM):c.157C>T (p.Arg53Cys)

Gene: ACADM (acyl-CoA dehydrogenase medium chain; plus strand). Cytogenetic location: 1p31.1.
Variant type: single nucleotide variant.
Coding change: c.157C>T on transcript NM_000016.6 (MANE Select); coding-DNA position 157, C replaced by T.
Protein change: p.Arg53Cys; replaces arginine 53 with cysteine.
Molecular consequence: missense variant. On other transcripts: 5 prime UTR variant (1).
Genome position (GRCh38, 1-based): chr1:75,732,682, C>T. VCF-style: chr1-75732682-C-T. GRCh37 (hg19) VCF-style: chr1-76198367-C-T.
Other names: c.169C>T, p.Arg57Cys (NM_001127328.3); c.49C>T, p.Arg17Cys (NM_001286042.2); c.157C>T, p.Arg53Cys (NM_001286043.2); c.-229C>T (NM_001286044.2); short protein forms R53C, R57C, R17C.
Identifiers: ClinVar variation 92258 (VCV000092258.39), dbSNP rs398123072, ClinGen allele CA220173.
Genomic context (GRCh38, chr1:75,732,682, plus strand): 5'-TTTCTAAATAATTTTCCCTTAGAGTTCACCGAACAGCAGAAAGAATTTCAAGCTACTGCT[C>T]GTAAATTTGCCAGAGAGGAAATCATCCCAGTGGCTGCAGAATATGATAAAACTGGTGAAG-3'
Protein context (NP_000007.1, residues 43-63): EQQKEFQATA[Arg53Cys]KFAREEIIPV